The following is an entry in ClinVar:

NM_001114753.3(ENG):c.1657del (p.Leu553fs)

Genes: ENG (endoglin; minus strand), LOC102723566 (uncharacterized LOC102723566; plus strand). Cytogenetic location: 9q34.11.
Variant type: Deletion.
Coding change: c.1657del on transcript NM_001114753.3 (MANE Select); coding-DNA position 1657, one base deleted (C; older notation c.1657delC).
Protein change: p.Leu553fs; shifts the reading frame from leucine 553.
Molecular consequence: frameshift variant.
Genome position (GRCh38, 1-based): chr9:127,818,149, G deleted on the plus strand (C on the coding strand, the reverse complement: ENG is on the minus strand); the first of 3 consecutive G bases (chr9:127,818,149-127,818,151); deleting any one gives the same sequence. VCF-style (leftmost placement, unchanged base first): chr9-127818148-AG-A. GRCh37 (hg19) VCF-style: chr9-130580427-AG-A.
Other names: c.1655delC, p.Leu553Cysfs (NM_000118.4); c.1111del, p.Leu371fs (NM_001278138.2); short protein forms L371fs, L553fs.
Identifiers: ClinVar variation 419980 (VCV000419980.11), dbSNP rs1064794218, ClinGen allele CA16618745.

ClinVar aggregate classification (germline): Pathogenic/Likely pathogenic. Review status: criteria provided, multiple submitters, no conflicts (2 of 4 stars). 3 submissions from 3 submitters: Pathogenic (2); Likely pathogenic (1). Last evaluated 2023-01-20.

Conditions:
Cardiovascular phenotype. Identifiers: MedGen CN230736.
Hereditary hemorrhagic telangiectasia (HHT). Also called: ORW DISEASE; Osler Weber Rendu syndrome; OSLER-RENDU-WEBER DISEASE; Osler hemorrhagic telangiectasia syndrome. Identifiers: Orphanet 774, MedGen C0039445, MONDO:0019180. Disease mechanism: loss of function.

Submissions (3):

Labcorp Genetics (formerly Invitae), Labcorp
Classification: Pathogenic for Hereditary hemorrhagic telangiectasia. Last evaluated: 2023-01-20. Review status: criteria provided, single submitter. Criteria: Invitae Variant Classification Sherloc (09022015). Collection method: clinical testing. Allele origin: germline.
Comment: This variant is also known as Deletion (1 bp) at position 1655. For these reasons, this variant has been classified as Pathogenic. This variant disrupts a region of the ENG protein in which other variant(s) (p.Leu572*) have been determined to be pathogenic (PMID: 11440987; Invitae). This suggests that this is a clinically significant region of the protein, and that variants that disrupt it are likely to be disease-causing. ClinVar contains an entry for this variant (Variation ID: 419980). This premature translational stop signal has been observed in individual(s) with hereditary hemorrhagic telangiectasia (PMID: 8595426, 32300199). This variant is not present in population databases (gnomAD no frequency). This sequence change creates a premature translational stop signal (p.Leu553Cysfs*20) in the ENG gene. While this is not anticipated to result in nonsense mediated decay, it is expected to disrupt the last 73 amino acid(s) of the ENG protein.

Ambry Genetics
Classification: Pathogenic for Cardiovascular phenotype. Last evaluated: 2017-07-10. Review status: criteria provided, single submitter. Criteria: Ambry Variant Classification Scheme 2023. Collection method: clinical testing. Allele origin: germline.
Comment: The c.1657delC pathogenic mutation, located in coding exon 12 of the ENG gene, results from a deletion of one nucleotide at nucleotide position 1657, causing a translational frameshift with a predicted alternate stop codon (p.L553Cfs*20). This mutation was identified in an individual with hereditary hemorrhagic telangiectasia; however, specific clinical features were not provided (McAllister KA et al. Hum. Mol. Genet., 1995 Oct;4:1983-5). In addition to the clinical data presented in the literature, this alteration is expected to result in loss of function by premature protein truncation or nonsense-mediated mRNA decay. As such, this alteration is interpreted as a disease-causing mutation.

GeneDx
Classification: Likely pathogenic. Last evaluated: 2016-12-28. Review status: criteria provided, single submitter. Criteria: GeneDx Variant Classification (06012015). Collection method: clinical testing. Allele origin: germline. Affected: yes.
Comment: The c.1657delC likely pathogenic variant in the ENG gene has been previously published in association with HHT (reported at cDNA position 1655 due to alternate nomenclature) (McAllister et al., 1995). This variant causes a shift in reading frame starting at codon leucine 553, changing it to a cysteine, and creating a premature stop codon at position 20 of the new reading frame, denoted p.Leu553CysfsX20. This variant is expected to result in an abnormal, truncated protein product due to replacement of the last 73 amino acid residues of the protein with 19 incorrect amino acid residues. Multiple other frameshift variants in the ENG gene have been reported in the Human Gene Mutation Database in association with HHT (Stenson et al., 2014). Furthermore, the c.1657delC variant is not observed in large population cohorts (Lek et al., 2016; 1000 Genomes Consortium et al., 2015; Exome Variant Server).

Literature cited by the submitters: PubMed 11440987 (cited by Labcorp Genetics (formerly Invitae), Labcorp); PubMed 8595426 (cited by Labcorp Genetics (formerly Invitae), Labcorp and Ambry Genetics); PubMed 32300199 (cited by Labcorp Genetics (formerly Invitae), Labcorp); PubMed 9554745 (cited by Ambry Genetics).